The following is an entry in ClinVar:

ClinVar aggregate classification (germline): Likely pathogenic (1 of 4 stars; one submission).

Conditions:
Frontotemporal dementia and/or amyotrophic lateral sclerosis 1 (FTDALS1). Also called: Frontotemporal dementia with motor neuron disease 1; C9orf72 Frontotemporal Dementia and/or Amyotrophic Lateral Sclerosis. Identifiers: Orphanet 275872, MedGen C5779877, MONDO:0007105, OMIM 105550.
Paget disease of bone 2, early-onset (PDB2). Also called: Paget disease of bone 2. Identifiers: MedGen C4085251, MONDO:0011183, OMIM 602080.

Allele frequency attached by ClinVar (database versions not stated): gnomAD 0.00001; TOPMed 0.00001; ExAC 0.00002; ESP Exome Variant Server 0.00015.
gnomAD v4.1: 1 of 1,613,942 alleles (0.000062%); highest among the groups gnomAD compares: African/African-American, 0.0013%; no homozygotes.

Submission:

Labcorp Genetics (formerly Invitae), Labcorp
Classification: Likely pathogenic for Paget disease of bone 2, early-onset; Frontotemporal dementia and/or amyotrophic lateral sclerosis 1. Last evaluated: 2022-10-20. Review status: criteria provided, single submitter. Criteria: Invitae Variant Classification Sherloc (09022015). Collection method: clinical testing. Allele origin: germline.
Comment: In summary, the currently available evidence indicates that the variant is pathogenic, but additional data are needed to prove that conclusively. Therefore, this variant has been classified as Likely Pathogenic. Algorithms developed to predict the effect of sequence changes on RNA splicing suggest that this variant may disrupt the consensus splice site. This variant has not been reported in the literature in individuals affected with SQSTM1-related conditions. This variant is present in population databases (rs373306317, gnomAD 0.01%). This sequence change affects an acceptor splice site in intron 1 of the SQSTM1 gene. It is expected to disrupt RNA splicing. Variants that disrupt the donor or acceptor splice site typically lead to a loss of protein function (PMID: 16199547), and loss-of-function variants in SQSTM1 are known to be pathogenic (PMID: 27545679, 29959261).

Literature cited by the submitters: PubMed 16199547; PubMed 27545679; PubMed 29959261.

NM_003900.5(SQSTM1):c.206-2A>G

Gene: SQSTM1 (sequestosome 1; plus strand). Cytogenetic location: 5q35.3.
Variant type: single nucleotide variant.
Coding change: c.206-2A>G on transcript NM_003900.5 (MANE Select); the canonical splice acceptor site of the intron before coding-DNA position 206, A replaced by G.
Molecular consequence: splice acceptor variant.
Genome position (GRCh38, 1-based): chr5:179,822,956, A>G. VCF-style: chr5-179822956-A-G. GRCh37 (hg19) VCF-style: chr5-179249956-A-G.
Other names: c.-47-2A>G (NM_001142298.2, NM_001142299.2).
Identifiers: ClinVar variation 2940935 (VCV002940935.3), dbSNP rs373306317, ClinGen allele CA3600414.